The following is an entry in ClinVar:

ClinVar aggregate classification (germline): Conflicting classifications of pathogenicity. Review status: criteria provided, conflicting classifications (1 of 4 stars). 8 submissions from 8 submitters: Pathogenic (2); Likely pathogenic (1); Uncertain significance (5). Last evaluated 2026-05-05.

Conditions:
Hypophosphatasia. Also called: Phosphoethanol-aminuria. Identifiers: Orphanet 436, MedGen C0020630, MeSH D007014, MONDO:0018570.
Adult hypophosphatasia. Identifiers: Orphanet 247676, Orphanet 436, MedGen C0268413, MONDO:1010154, OMIM 146300, MONDO:0007798.
Childhood hypophosphatasia. Identifiers: Orphanet 247667, Orphanet 436, MedGen C0220743, MONDO:1010168, OMIM 241510, MONDO:0009428.
Infantile hypophosphatasia. Identifiers: Orphanet 247651, Orphanet 436, MedGen C0268412, MONDO:1010169, OMIM 241500, MONDO:0009427.

Allele frequency attached by ClinVar (database versions not stated): TOPMed 0.00003; gnomAD exomes 0.00002 and 0.00007; ExAC 0.00002; gnomAD 0.00003.
gnomAD v4.1: 113 of 1,613,854 alleles (0.007%); highest among the groups gnomAD compares: Non-Finnish European, 0.0086%; no homozygotes.

Submissions (8):

Women's Health and Genetics/Laboratory Corporation of America, LabCorp
Classification: Pathogenic for Hypophosphatasia. Last evaluated: 2026-05-05. Review status: criteria provided, single submitter. Criteria: LabCorp Variant Classification Summary - May 2015. Collection method: clinical testing. Allele origin: germline.
Comment: Variant summary: ALPL c.673T>C (p.Tyr225His) results in a conservative amino acid change in the encoded protein sequence. Algorithms developed to predict the effect of missense changes on protein structure and function are either unavailable or do not agree on the potential impact of this missense change. The variant allele was found at a frequency of 2.4e-05 in 251480 control chromosomes. c.673T>C has been observed in the heterozygous state in at least 2 individual(s) affected with clinical features of autosomal dominant Hypophosphatasia (Gimeno_2025, internal data) and in the compound heterozygous state in at least 1 individual with autosomal recessive Hypophosphatasia (Internal data). These data indicate that the variant is likely to be associated with disease. At least one publication reports experimental evidence evaluating an impact on protein function. The most pronounced variant effect results in reduced enzyme activity in vitro (e.g. DelAngel_2020). Internally validated machine learning-based Evidence Modeling of protein sequence and biophysical properties (such as structural, functional, and spatial information, amino acid conservation, physicochemical variation, residue mobility, and thermodynamic stability) indicates that this missense variant is expected to disrupt protein function with a positive predictive value of at least 95%. The following publications have been ascertained in the context of this evaluation (PMID: 32160374, 39333051). ClinVar contains an entry for this variant (Variation ID: 287114). Based on the evidence outlined above, the variant was classified as pathogenic for autosomal dominant hypophosphatasia and autosomal recessive hypophosphatasia.

JKU Lab, Dept of Paediatrics, Johannes Kepler University
Classification: Likely pathogenic for Hypophosphatasia. Last evaluated: 2026-04-14. Review status: criteria provided, single submitter. Criteria: ACMG Guidelines, 2015. Collection method: curation. Allele origin: germline. Affected: yes.
Comment: This missense variant is present in GnomAD 4.1 (f = 0.00008644 in the European, non-Finnish population) and affects a highly conserved amino acid in the calcium site domain. The variant is predicted to affect protein function (REVEL score: 0.81). Splice-prediction algorithms predict no effect on splicing. This variant has been reported in the literature in individuals affected with ALPL-related conditions (PMID:39333051).

Labcorp Genetics (formerly Invitae), Labcorp
Classification: Pathogenic. Last evaluated: 2025-12-08. Review status: criteria provided, single submitter. Criteria: Invitae Variant Classification Sherloc (09022015). Collection method: clinical testing. Allele origin: germline.
Comment: This sequence change replaces tyrosine, which is neutral and polar, with histidine, which is basic and polar, at codon 225 of the ALPL protein (p.Tyr225His). This variant is present in population databases (rs759125473, gnomAD 0.004%). This missense change has been observed in individual(s) with clinical features of hypophosphatasia (internal data). In at least one individual the data is consistent with being in trans (on the opposite chromosome) from a pathogenic variant. ClinVar contains an entry for this variant (Variation ID: 287114). Invitae Evidence Modeling of protein sequence and biophysical properties (such as structural, functional, and spatial information, amino acid conservation, physicochemical variation, residue mobility, and thermodynamic stability) indicates that this missense variant is expected to disrupt ALPL protein function with a positive predictive value of 95%. For these reasons, this variant has been classified as Pathogenic.

Genomenon, Inc
Classification: Uncertain significance for Hypophosphatasia. Last evaluated: 2025-08-29. Review status: criteria provided, single submitter. Criteria: Genomenon Sequence Variant Interpretation Standards. Collection method: curation. Allele origin: germline. Affected: yes.
Comment: ALPL c.673T>C is a missense variant that changes the amino acid at residue 225 from Tyrosine to Histidine. This variant has been observed in a proband affected with hypophosphatasia (PMID:39333051). Functional studies have been reported;however, the significance of the findings remain unclear (PMID:32160374). It is absent or not present at a significant frequency in gnomAD. In silico models agree that this variant is possibly or probably damaging. In conclusion, we classify ALPL p.Tyr225His (c.673T>C) as a variant of unknown significance.

GeneDx
Classification: Uncertain significance. Last evaluated: 2024-07-23. Review status: criteria provided, single submitter. Criteria: GeneDx Variant Classification Process June 2021. Collection method: clinical testing. Allele origin: germline. Affected: yes.
Comment: In silico analysis supports that this missense variant has a deleterious effect on protein structure/function; Has not been previously published as pathogenic or benign to our knowledge

Fulgent Genetics
Classification: Uncertain significance for Adult hypophosphatasia; Infantile hypophosphatasia; Childhood hypophosphatasia. Last evaluated: 2024-06-07. Review status: criteria provided, single submitter. Criteria: ACMG Guidelines, 2015. Collection method: clinical testing. Allele origin: germline.

Eurofins Ntd Llc (ga)
Classification: Uncertain significance. Last evaluated: 2016-03-30. Review status: criteria provided, single submitter. Criteria: EGL Classification Definitions 2015. Collection method: clinical testing. Allele origin: germline. Observed: 1 variant allele, 1 heterozygote.

Undiagnosed Diseases Network, NIH
Classification: Uncertain significance for Adult hypophosphatasia. Review status: criteria provided, single submitter. Criteria: ACMG Guidelines, 2015. Collection method: clinical testing. Allele origin: unknown. Affected: yes. Observed: 1 variant allele, 1 heterozygote. Study: Undiagnosed Diseases Network (NIH), UDN.

Literature cited by the submitters: PubMed 32160374 (cited by Women's Health and Genetics/Laboratory Corporation of America, LabCorp and Genomenon, Inc); PubMed 39983296 (cited by Women's Health and Genetics/Laboratory Corporation of America, LabCorp); PubMed 39333051 (cited by 3 submitters).

NM_000478.6(ALPL):c.673T>C (p.Tyr225His)

Gene: ALPL (alkaline phosphatase, biomineralization associated; plus strand). Cytogenetic location: 1p36.12.
Variant type: single nucleotide variant.
Coding change: c.673T>C on transcript NM_000478.6 (MANE Select); coding-DNA position 673, T replaced by C.
Protein change: p.Tyr225His; replaces tyrosine 225 with histidine.
Molecular consequence: missense variant.
Genome position (GRCh38, 1-based): chr1:21,568,128, T>C. VCF-style: chr1-21568128-T-C. GRCh37 (hg19) VCF-style: chr1-21894621-T-C.
Other names: p.Tyr225His; c.508T>C, p.Tyr170His (NM_001127501.4); c.442T>C, p.Tyr148His (NM_001177520.3); c.673T>C, p.Tyr225His (NM_001369803.2, NM_001369804.2, NM_001369805.2); c.673T>C (NM_000478.4, NM_000478.5); short protein forms Y225H, Y148H, Y170H.
Identifiers: ClinVar variation 287114 (VCV000287114.16), dbSNP rs759125473, ClinGen allele CA666578.